The following is an entry in ClinVar:

ClinVar aggregate classification (germline): Uncertain significance (1 of 4 stars; one submission).

Submission:

CeGaT Center for Human Genetics Tuebingen
Classification: Uncertain significance. Last evaluated: 2022-08-01. Review status: criteria provided, single submitter. Criteria: CeGaT Center For Human Genetics Tuebingen Variant Classification Criteria Version 2. Collection method: clinical testing. Allele origin: germline. Affected: yes. Observed: 1 variant allele.
Comment: CTNNA3: PM2

NM_013266.4(CTNNA3):c.2265+2T>G

Gene: CTNNA3 (catenin alpha 3; minus strand). Cytogenetic location: 10q21.3.
Variant type: single nucleotide variant.
Coding change: c.2265+2T>G on transcript NM_013266.4 (MANE Select); the canonical splice donor site of the intron after coding-DNA position 2265, T replaced by G.
Molecular consequence: splice donor variant.
Genome position (GRCh38, 1-based): chr10:65,988,690, A>C on the plus strand (T>G on the coding strand, the complement: CTNNA3 is on the minus strand). VCF-style: chr10-65988690-A-C. GRCh37 (hg19) VCF-style: chr10-67748448-A-C.
Other names: c.2265+2T>G (NM_001127384.3).
Identifiers: ClinVar variation 2640513 (VCV002640513.24), dbSNP rs2078476917, ClinGen allele CA377089195.